The following is an entry in ClinVar:

ClinVar aggregate classification (germline): Uncertain significance (1 of 4 stars; one submission).

gnomAD v4.1: 4 of 1,558,530 alleles (0.00026%); highest among the groups gnomAD compares: Non-Finnish European, 0.00035%; no homozygotes.

Submission:

Labcorp Genetics (formerly Invitae), Labcorp
Classification: Uncertain significance. Last evaluated: 2022-05-05. Review status: criteria provided, single submitter. Criteria: Invitae Variant Classification Sherloc (09022015). Collection method: clinical testing. Allele origin: germline.
Comment: This variant has not been reported in the literature in individuals affected with MYO7A-related conditions. This variant is present in population databases (no rsID available, gnomAD 0.007%). This sequence change replaces arginine, which is basic and polar, with leucine, which is neutral and non-polar, at codon 606 of the MYO7A protein (p.Arg606Leu). In summary, the available evidence is currently insufficient to determine the role of this variant in disease. Therefore, it has been classified as a Variant of Uncertain Significance. Algorithms developed to predict the effect of missense changes on protein structure and function are either unavailable or do not agree on the potential impact of this missense change (SIFT: "Deleterious"; PolyPhen-2: "Probably Damaging"; Align-GVGD: "Class C0").

NM_000260.4(MYO7A):c.1817G>T (p.Arg606Leu)

Gene: MYO7A (myosin VIIA; plus strand). Cytogenetic location: 11q13.5.
Variant type: single nucleotide variant.
Coding change: c.1817G>T on transcript NM_000260.4 (MANE Select); coding-DNA position 1817, G replaced by T.
Protein change: p.Arg606Leu; replaces arginine 606 with leucine.
Molecular consequence: missense variant.
Genome position (GRCh38, 1-based): chr11:77,172,767, G>T. VCF-style: chr11-77172767-G-T. GRCh37 (hg19) VCF-style: chr11-76883813-G-T.
Other names: c.1817G>T, p.Arg606Leu (NM_001127180.2); c.1784G>T, p.Arg595Leu (NM_001369365.1); short protein forms R606L, R595L.
Identifiers: ClinVar variation 2134433 (VCV002134433.4), dbSNP rs782311929, ClinGen allele CA381938227.